The following is an entry in ClinVar:

ClinVar aggregate classification (germline): Uncertain significance. Review status: criteria provided, multiple submitters, no conflicts (2 of 4 stars). 2 submissions from 2 submitters: Uncertain significance (2). Last evaluated 2023-07-20.

Conditions:
Familial encephalopathy with neuroserpin inclusion bodies. Also called: ENCEPHALOPATHY, FAMILIAL, WITH COLLINS BODIES. Identifiers: Orphanet 85110, MedGen C1858680, MONDO:0011412, OMIM 604218.

Submissions (2):

GeneDx
Classification: Uncertain significance. Last evaluated: 2023-07-20. Review status: criteria provided, single submitter. Criteria: GeneDx Variant Classification Process June 2021. Collection method: clinical testing. Allele origin: germline. Affected: yes.
Comment: Not observed at significant frequency in large population cohorts (gnomAD); In silico analysis supports that this missense variant does not alter protein structure/function; Has not been previously published as pathogenic or benign to our knowledge; This variant is associated with the following publications: (PMID: 27535533)

Labcorp Genetics (formerly Invitae), Labcorp
Classification: Uncertain significance for Familial encephalopathy with neuroserpin inclusion bodies. Last evaluated: 2021-07-28. Review status: criteria provided, single submitter. Criteria: Invitae Variant Classification Sherloc (09022015). Collection method: clinical testing. Allele origin: germline.
Comment: This sequence change replaces histidine with aspartic acid at codon 74 of the SERPINI1 protein (p.His74Asp). The histidine residue is highly conserved and there is a moderate physicochemical difference between histidine and aspartic acid. In summary, the available evidence is currently insufficient to determine the role of this variant in disease. Therefore, it has been classified as a Variant of Uncertain Significance. Advanced modeling of protein sequence and biophysical properties (such as structural, functional, and spatial information, amino acid conservation, physicochemical variation, residue mobility, and thermodynamic stability) performed at Invitae indicates that this missense variant is not expected to disrupt SERPINI1 protein function. This variant has not been reported in the literature in individuals with SERPINI1-related conditions. This variant is not present in population databases (ExAC no frequency).

NM_001122752.2(SERPINI1):c.220C>G (p.His74Asp)

Gene: SERPINI1 (serpin family I member 1; plus strand). Cytogenetic location: 3q26.1.
Variant type: single nucleotide variant.
Coding change: c.220C>G on transcript NM_001122752.2 (MANE Select); coding-DNA position 220, C replaced by G.
Protein change: p.His74Asp; replaces histidine 74 with aspartic acid.
Molecular consequence: missense variant.
Genome position (GRCh38, 1-based): chr3:167,789,348, C>G. VCF-style: chr3-167789348-C-G. GRCh37 (hg19) VCF-style: chr3-167507136-C-G.
Other names: c.220C>G (NM_005025.4); c.220C>G, p.His74Asp (NM_005025.5); short protein forms H74D.
Identifiers: ClinVar variation 1023386 (VCV001023386.9), dbSNP rs1445299347, ClinGen allele CA355155794.